The following is an entry in ClinVar:

ClinVar aggregate classification (germline): Conflicting classifications of pathogenicity. Review status: criteria provided, conflicting classifications (1 of 4 stars). 3 submissions from 3 submitters: Uncertain significance (1); Likely benign (2). Last evaluated 2025-11-19.

Conditions:
Hereditary cancer-predisposing syndrome. Also called: Tumor predisposition; Hereditary neoplastic syndrome; Hereditary Cancer Syndrome; Neoplastic Syndromes, Hereditary. Identifiers: Orphanet 140162, MedGen C0027672, MeSH D009386, MONDO:0015356.
Rhabdoid tumor predisposition syndrome 2 (RTPS2). Identifiers: Orphanet 231108, Orphanet 69077, MedGen C2750074, MONDO:0013224, OMIM 613325.

Allele frequency attached by ClinVar (database versions not stated): gnomAD exomes below 0.00001; gnomAD 0.00001; TOPMed 0.00001.
gnomAD v4.1: 7 of 1,601,224 alleles (0.00044%); highest among the groups gnomAD compares: Non-Finnish European, 0.0006%; no homozygotes.

Submissions (3):

Labcorp Genetics (formerly Invitae), Labcorp
Classification: Likely benign for Rhabdoid tumor predisposition syndrome 2. Last evaluated: 2025-11-19. Review status: criteria provided, single submitter. Criteria: Invitae Variant Classification Sherloc (09022015). Collection method: clinical testing. Allele origin: germline.

GeneDx
Classification: Uncertain significance. Last evaluated: 2023-05-12. Review status: criteria provided, single submitter. Criteria: GeneDx Variant Classification Process June 2021. Collection method: clinical testing. Allele origin: germline. Affected: yes.
Comment: In silico analysis is inconclusive as to whether the variant alters gene splicing. In the absence of RNA/functional studies, the actual effect of this sequence change is unknown.; Has not been previously published as pathogenic or benign to our knowledge

Ambry Genetics
Classification: Likely benign for Hereditary cancer-predisposing syndrome. Last evaluated: 2021-07-06. Review status: criteria provided, single submitter. Criteria: Ambry Variant Classification Scheme 2023. Collection method: clinical testing. Allele origin: germline.

NM_003072.5(SMARCA4):c.4171-1814C>T

Gene: SMARCA4 (SWI/SNF related BAF chromatin remodeling complex subunit ATPase 4; plus strand). Cytogenetic location: 19p13.2.
Variant type: single nucleotide variant.
Coding change: c.4171-1814C>T on transcript NM_003072.5 (MANE Select); 1814 bases into the intron before coding-DNA position 4171, C replaced by T.
Molecular consequence: intron variant. On other transcripts: synonymous variant (1).
Genome position (GRCh38, 1-based): chr19:11,039,493, C>T. VCF-style: chr19-11039493-C-T. GRCh37 (hg19) VCF-style: chr19-11150169-C-T.
Other names: c.4206C>T, p.Ser1402= (NM_001128849.3); c.4171-1814C>T (NM_001128844.3); c.4072-1814C>T (NM_001128847.4, NM_001374457.1, NM_001128848.2); c.4072-1805C>T (NM_001128845.2, NM_001128846.2).
Identifiers: ClinVar variation 793038 (VCV000793038.13), dbSNP rs1362224320, ClinGen allele CA783225253.